The following is an entry in ClinVar:

NM_003737.4(DCHS1):c.5404C>T (p.Leu1802Phe)

Gene: DCHS1 (dachsous cadherin-related 1; minus strand). Cytogenetic location: 11p15.4.
Variant type: single nucleotide variant.
Coding change: c.5404C>T on transcript NM_003737.4 (MANE Select); coding-DNA position 5404, C replaced by T.
Protein change: p.Leu1802Phe; replaces leucine 1802 with phenylalanine.
Molecular consequence: missense variant.
Genome position (GRCh38, 1-based): chr11:6,627,635, G>A on the plus strand (C>T on the coding strand, the complement: DCHS1 is on the minus strand). VCF-style: chr11-6627635-G-A. GRCh37 (hg19) VCF-style: chr11-6648866-G-A.
Other names: short protein forms L1802F.
Identifiers: ClinVar variation 2421268 (VCV002421268.6), dbSNP rs750662844, ClinGen allele CA5860091.

ClinVar aggregate classification (germline): Uncertain significance (1 of 4 stars; one submission).

Allele frequency attached by ClinVar (database versions not stated): TOPMed below 0.00001; gnomAD exomes 0.00001; ExAC 0.00003.
gnomAD v4.1: 8 of 1,613,184 alleles (0.0005%); highest among the groups gnomAD compares: Admixed American, 0.013%; no homozygotes.

Submission:

Labcorp Genetics (formerly Invitae), Labcorp
Classification: Uncertain significance. Last evaluated: 2025-12-15. Review status: criteria provided, single submitter. Criteria: Invitae Variant Classification Sherloc (09022015). Collection method: clinical testing. Allele origin: germline.
Comment: This sequence change replaces leucine, which is neutral and non-polar, with phenylalanine, which is neutral and non-polar, at codon 1802 of the DCHS1 protein (p.Leu1802Phe). This variant is present in population databases (rs750662844, gnomAD 0.02%). This variant has not been reported in the literature in individuals affected with DCHS1-related conditions. ClinVar contains an entry for this variant (Variation ID: 2421268). Invitae Evidence Modeling of protein sequence and biophysical properties (such as structural, functional, and spatial information, amino acid conservation, physicochemical variation, residue mobility, and thermodynamic stability) indicates that this missense variant is not expected to disrupt DCHS1 protein function with a negative predictive value of 80%. In summary, the available evidence is currently insufficient to determine the role of this variant in disease. Therefore, it has been classified as a Variant of Uncertain Significance.